The following is an entry in ClinVar:

ClinVar aggregate classification (germline): Likely benign. Review status: criteria provided, multiple submitters, no conflicts (2 of 4 stars). 2 submissions from 2 submitters: Likely benign (2). Last evaluated 2026-06-24.

Conditions:
LARGE1-related disorder. Also called: LARGE1-related condition.
Muscular dystrophy-dystroglycanopathy type B6 (MDDGB6). Also called: MUSCULAR DYSTROPHY, CONGENITAL, LARGE-RELATED; MUSCULAR DYSTROPHY, CONGENITAL, TYPE 1D; MUSCULAR DYSTROPHY-DYSTROGLYCANOPATHY (CONGENITAL WITH IMPAIRED INTELLECTUAL DEVELOPMENT), TYPE B, 6. Identifiers: MedGen C1837229, MONDO:0012138, OMIM 608840.

Allele frequency attached by ClinVar (database versions not stated): gnomAD exomes below 0.00001 and 0.00003; ExAC 0.00004; ESP Exome Variant Server 0.00008; TOPMed 0.00014; 1000 Genomes Project 30x 0.00016; 1000 Genomes Project 0.00020; gnomAD 0.00022.
gnomAD v4.1: 35 of 1,614,216 alleles (0.0022%); highest among the groups gnomAD compares: African/African-American, 0.04%; no homozygotes.

Submissions (2):

PreventionGenetics, part of Exact Sciences
Classification: Likely benign for LARGE1-related condition. Last evaluated: 2026-06-24. Review status: criteria provided, single submitter. Criteria: ACMG Guidelines, 2015. Collection method: clinical testing. Allele origin: germline.
Comment: This variant is classified as likely benign based on ACMG/AMP sequence variant interpretation guidelines (Richards et al. 2015 PMID: 25741868, with internal and published modifications).

Labcorp Genetics (formerly Invitae), Labcorp
Classification: Likely benign for Muscular dystrophy-dystroglycanopathy type B6. Last evaluated: 2025-09-17. Review status: criteria provided, single submitter. Criteria: Invitae Variant Classification Sherloc (09022015). Collection method: clinical testing. Allele origin: germline.

NM_133642.5(LARGE1):c.651T>A (p.Ser217=)

Gene: LARGE1 (LARGE xylosyl- and glucuronyltransferase 1; minus strand). Cytogenetic location: 22q12.3.
Variant type: single nucleotide variant.
Coding change: c.651T>A on transcript NM_133642.5 (MANE Select); coding-DNA position 651, T replaced by A.
Protein change: p.Ser217=; no amino-acid change (serine 217 retained).
Molecular consequence: synonymous variant.
Genome position (GRCh38, 1-based): chr22:33,564,984, A>T on the plus strand (T>A on the coding strand, the complement: LARGE1 is on the minus strand). VCF-style: chr22-33564984-A-T. GRCh37 (hg19) VCF-style: chr22-33960970-A-T.
Other names: c.651T>A (NM_004737.5); c.651T>A, p.Ser217= (NM_001362949.2, NM_001362951.2, NM_001362953.2 and 7 more transcripts); c.48T>A, p.Ser16= (NM_001378630.1, NM_001378631.1).
Identifiers: ClinVar variation 798142 (VCV000798142.10), dbSNP rs143547253, ClinGen allele CA10202962.
Genomic context (GRCh38, chr22:33,564,984, plus strand): 5'-TCTCTCCAGGTTGGCAGGAAGAGTCTTGGTCAGGACAAGCTTCATCAGACCATAAATCCC[A>T]GAGTAATGTTTATTGGGGATCCAGGAAACTTCAGACTAGACAGAACAAGGCAGAGAGAGA-3'
Protein context (NP_598397.1, residues 207-227): EVSWIPNKHY[Ser217=]GIYGLMKLVL